The following is an entry in ClinVar:

NM_000090.4(COL3A1):c.2839C>T (p.Leu947Phe)

Gene: COL3A1 (collagen type III alpha 1 chain; plus strand). Cytogenetic location: 2q32.2.
Variant type: single nucleotide variant.
Coding change: c.2839C>T on transcript NM_000090.4 (MANE Select); coding-DNA position 2839, C replaced by T.
Protein change: p.Leu947Phe; replaces leucine 947 with phenylalanine.
Molecular consequence: missense variant.
Genome position (GRCh38, 1-based): chr2:189,004,272, C>T. VCF-style: chr2-189004272-C-T. GRCh37 (hg19) VCF-style: chr2-189868998-C-T.
Other names: short protein forms L947F.
Identifiers: ClinVar variation 404298 (VCV000404298.11), dbSNP rs1060500198, ClinGen allele CA16610554.

ClinVar aggregate classification (germline): Uncertain significance (1 of 4 stars; one submission).

Conditions:
Ehlers-Danlos syndrome, type 4 (EDSVASC). Also called: Ehlers-Danlos Syndrome Type IV; Ehlers-Danlos syndrome vascular type; Ehlers Danlos syndrome, ecchymotic type; Ehlers Danlos syndrome, arterial type; Ehlers Danlos syndrome, Sack-Barabas type. Identifiers: Orphanet 286, MedGen C0268338, MONDO:0017314, OMIM 130050.

Submission:

Labcorp Genetics (formerly Invitae), Labcorp
Classification: Uncertain significance for Ehlers-Danlos syndrome, type 4. Last evaluated: 2016-09-23. Review status: criteria provided, single submitter. Criteria: Invitae Variant Classification Sherloc (09022015). Collection method: clinical testing. Allele origin: germline.
Comment: In summary, this variant is a novel missense change with uncertain impact on protein function. It has been classified as a Variant of Uncertain Significance. Algorithms developed to predict the effect of missense changes on protein structure and function do not agree on the potential impact of this missense change (SIFT: "Tolerated"; PolyPhen-2: "Probably Damaging"; Align-GVGD: "Class C0"). This variant is not present in population databases (ExAC no frequency) and has not been reported in the literature in individuals with a COL3A1-related disease. This sequence change replaces leucine with phenylalanine at codon 947 of the COL3A1 protein (p.Leu947Phe). The leucine residue is moderately conserved and there is a small physicochemical difference between leucine and phenylalanine.